The following is an entry in ClinVar:

ClinVar aggregate classification (germline): Benign. Review status: criteria provided, multiple submitters, no conflicts (2 of 4 stars). 8 submissions from 8 submitters: Benign (6). 2 of the submissions do not count toward it. Last evaluated 2026-02-03.

Conditions:
Familial steroid-resistant nephrotic syndrome with sensorineural deafness. Identifiers: Orphanet 280406, MedGen C3553349, MONDO:0013836, OMIM 614650.

Allele frequency attached by ClinVar (database versions not stated): gnomAD exomes 0.47006 and 0.43890; ESP Exome Variant Server 0.38451; 1000 Genomes Project 30x 0.34229; TOPMed 0.37778; ExAC 0.43463; 1000 Genomes Project 0.34545; gnomAD 0.39628 and 0.39933.
gnomAD v4.1: 747,145 of 1,613,496 alleles (46%); highest among the groups gnomAD compares: South Asian, 50%; 177,834 homozygotes.

Submissions (8):

Labcorp Genetics (formerly Invitae), Labcorp
Classification: Benign. Last evaluated: 2026-02-03. Review status: criteria provided, single submitter. Criteria: Invitae Variant Classification Sherloc (09022015). Collection method: clinical testing. Allele origin: germline.

Blueprint Genetics
Classification: Benign. Last evaluated: 2024-11-27. Review status: criteria provided, single submitter. Criteria: ACMG Guidelines, 2015. Collection method: clinical testing. Allele origin: germline.

Unidad de Genómica Garrahan, Hospital de Pediatría Garrahan
Classification: Benign. Last evaluated: 2024-07-15. Review status: criteria provided, single submitter. Criteria: ACMG Guidelines, 2015. Collection method: clinical testing. Allele origin: germline. Affected: no. Observed: 54 variant alleles.
Comment: This variant is classified as Benign based on local population frequency. This variant was detected in 58% of patients studied in a panel designed for Epileptic and Developmental Encephalopathy and Progressive Myoclonus Epilepsy. Number of patients: 54. Only high quality variants are reported.

Genome-Nilou Lab
Classification: Benign for Familial steroid-resistant nephrotic syndrome with sensorineural deafness. Last evaluated: 2021-07-30. Review status: criteria provided, single submitter. Criteria: ACMG Guidelines, 2015. Collection method: clinical testing. Allele origin: germline. Affected: no.

GeneDx
Classification: Benign. Last evaluated: 2013-09-05. Review status: criteria provided, single submitter. Criteria: GeneDx Variant Classification (06012015). Collection method: clinical testing. Allele origin: germline. Affected: yes.
Comment: This variant is considered likely benign or benign based on one or more of the following criteria: it is a conservative change, it occurs at a poorly conserved position in the protein, it is predicted to be benign by multiple in silico algorithms, and/or has population frequency not consistent with disease.

Breakthrough Genomics
Classification: Benign. Review status: criteria provided, single submitter. Criteria: ACMG Guidelines, 2015. Collection method: not provided. Allele origin: germline. Inheritance: Autosomal recessive inheritance. Affected: yes.

Mayo Clinic Laboratories, Mayo Clinic
Classification: Benign. Last evaluated: 2016-02-19. Review status: no assertion criteria provided. Collection method: clinical testing. Allele origin: unknown. Not counted in ClinVar's aggregate classification.

Genetic Services Laboratory, University of Chicago
Classification: Likely benign for AllHighlyPenetrant. Review status: no assertion criteria provided. Collection method: clinical testing. Allele origin: germline. Inheritance: Autosomal recessive inheritance. Not counted in ClinVar's aggregate classification.
Comment: Likely benign based on allele frequency in 1000 Genomes Project or ESP global frequency and its presence in a patient with a rare or unrelated disease phenotype. NOT Sanger confirmed.

NM_182476.3(COQ6):c.1216G>A (p.Val406Met)

Genes: COQ6 (coenzyme Q6, monooxygenase; plus strand), ENTPD5 (ectonucleoside triphosphate diphosphohydrolase 5; minus strand). Cytogenetic location: 14q24.3.
Variant type: single nucleotide variant.
Coding change: c.1216G>A on transcript NM_182476.3 (MANE Select); coding-DNA position 1216, G replaced by A.
Protein change: p.Val406Met; replaces valine 406 with methionine.
Molecular consequence: missense variant. On other transcripts: intron variant (7).
Genome position (GRCh38, 1-based): chr14:73,961,742, G>A. VCF-style: chr14-73961742-G-A. GRCh37 (hg19) VCF-style: chr14-74428445-G-A.
Other names: p.V406M:GTG>ATG; c.1108G>A, p.Val370Met (NM_001425256.1); c.1051G>A, p.Val351Met (NM_001425257.1); c.1033G>A, p.Val345Met (NM_001425258.1); c.991G>A, p.Val331Met (NM_001425259.1, NM_001425260.1, NM_001425261.1); c.961G>A, p.Val321Met (NM_001425262.1); c.889G>A, p.Val297Met (NM_001425263.1); c.676G>A, p.Val226Met (NM_001425264.1, NM_001425265.1); and 6 more; short protein forms V381M, V406M.
Identifiers: ClinVar variation 128834 (VCV000128834.24), dbSNP rs8500, ClinGen allele CA152483.